The following is an entry in ClinVar:

ClinVar aggregate classification (germline): Uncertain significance. Review status: criteria provided, multiple submitters, no conflicts (2 of 4 stars). 3 submissions from 3 submitters: Uncertain significance (3). Last evaluated 2025-08-25.

Conditions:
Hereditary diffuse gastric adenocarcinoma (HDGC). Also called: DIFFUSE GASTRIC AND LOBULAR BREAST CANCER SYNDROME. Identifiers: Orphanet 26106, MedGen C1708349, MONDO:0007648, OMIM 137215.
Hereditary cancer-predisposing syndrome. Also called: Tumor predisposition; Hereditary neoplastic syndrome; Neoplastic Syndromes, Hereditary; Hereditary Cancer Syndrome. Identifiers: Orphanet 140162, MedGen C0027672, MeSH D009386, MONDO:0015356.

Submissions (3):

Ambry Genetics
Classification: Uncertain significance for Hereditary cancer-predisposing syndrome. Last evaluated: 2025-08-25. Review status: criteria provided, single submitter. Criteria: Ambry Variant Classification Scheme 2023. Collection method: clinical testing. Allele origin: germline.
Comment: The p.D479E variant (also known as c.1437T>G), located in coding exon 10 of the CDH1 gene, results from a T to G substitution at nucleotide position 1437. The aspartic acid at codon 479 is replaced by glutamic acid, an amino acid with highly similar properties. This amino acid position is conserved. In addition, this alteration is predicted to be deleterious by in silico analysis. Based on the available evidence, the clinical significance of this variant remains unclear.

Color Diagnostics, LLC DBA Color Health
Classification: Uncertain significance for Hereditary cancer-predisposing syndrome. Last evaluated: 2025-03-03. Review status: criteria provided, single submitter. Criteria: ACMG Guidelines, 2015. Collection method: clinical testing. Allele origin: germline.
Comment: This missense variant replaces aspartic acid with glutamic acid at codon 479 of the CDH1 protein. To our knowledge, functional studies have not been reported for this variant. This variant has not been reported in individuals affected with CDH1-related disorders in the literature. This variant has not been identified in the general population by the Genome Aggregation Database (gnomAD). The available evidence is insufficient to determine the role of this variant in disease conclusively. Therefore, this variant is classified as a Variant of Uncertain Significance.

Labcorp Genetics (formerly Invitae), Labcorp
Classification: Uncertain significance for Hereditary diffuse gastric adenocarcinoma. Last evaluated: 2024-01-09. Review status: criteria provided, single submitter. Criteria: Invitae Variant Classification Sherloc (09022015). Collection method: clinical testing. Allele origin: germline.
Comment: This sequence change replaces aspartic acid, which is acidic and polar, with glutamic acid, which is acidic and polar, at codon 479 of the CDH1 protein (p.Asp479Glu). This variant is not present in population databases (gnomAD no frequency). This variant has not been reported in the literature in individuals affected with CDH1-related conditions. An algorithm developed to predict the effect of missense changes on protein structure and function (PolyPhen-2) suggests that this variant is likely to be disruptive. In summary, the available evidence is currently insufficient to determine the role of this variant in disease. Therefore, it has been classified as a Variant of Uncertain Significance.

NM_004360.5(CDH1):c.1437T>G (p.Asp479Glu)

Gene: CDH1 (cadherin 1; plus strand). Cytogenetic location: 16q22.1.
Variant type: single nucleotide variant.
Coding change: c.1437T>G on transcript NM_004360.5 (MANE Select); coding-DNA position 1437, T replaced by G.
Protein change: p.Asp479Glu; replaces aspartic acid 479 with glutamic acid.
Molecular consequence: missense variant. On other transcripts: 5 prime UTR variant (2).
Genome position (GRCh38, 1-based): chr16:68,815,631, T>G. VCF-style: chr16-68815631-T-G. GRCh37 (hg19) VCF-style: chr16-68849534-T-G.
Other names: c.1254T>G, p.Asp418Glu (NM_001317184.2); c.-112T>G (NM_001317185.2); c.-383T>G (NM_001317186.2); short protein forms D479E, D418E.
Identifiers: ClinVar variation 2979540 (VCV002979540.5), dbSNP rs2152134915, ClinGen allele CA396463017.
Genomic context (GRCh38, chr16:68,815,631, plus strand): 5'-GGTACCTTTTGAGGTCTCTCTCACCACCTCCACAGCCACCGTCACCGTGGATGTGCTGGA[T>G]GTGAATGAAGCCCCCATCTTTGTGCCTCCTGAAAAGAGAGTGGAAGTGTCCGAGGACTTT-3'
Protein context (NP_004351.1, residues 469-489): STATVTVDVL[Asp479Glu]VNEAPIFVPP